The following is an entry in ClinVar:

NM_014053.4(FLVCR1):c.7C>T (p.Arg3Trp)

Gene: FLVCR1 (FLVCR choline and heme transporter 1; plus strand). Cytogenetic location: 1q32.3.
Variant type: single nucleotide variant.
Coding change: c.7C>T on transcript NM_014053.4 (MANE Select); coding-DNA position 7, C replaced by T.
Protein change: p.Arg3Trp; replaces arginine 3 with tryptophan.
Molecular consequence: missense variant.
Genome position (GRCh38, 1-based): chr1:212,858,459, C>T. VCF-style: chr1-212858459-C-T. GRCh37 (hg19) VCF-style: chr1-213031801-C-T.
Other names: short protein forms R3W.
Identifiers: ClinVar variation 521374 (VCV000521374.16), dbSNP rs998058913, ClinGen allele CA36896317.

ClinVar aggregate classification (germline): Uncertain significance. Review status: criteria provided, multiple submitters, no conflicts (2 of 4 stars). 3 submissions from 3 submitters: Uncertain significance (3). Last evaluated 2023-08-01.

Conditions:
Inborn genetic diseases. Identifiers: MedGen C0950123, MeSH D030342.

Allele frequency attached by ClinVar (database versions not stated): gnomAD 0.00001; gnomAD exomes 0.00001; TOPMed 0.00001.
gnomAD v4.1: 16 of 1,438,022 alleles (0.0011%); highest among the groups gnomAD compares: Non-Finnish European, 0.0014%; no homozygotes.

Submissions (3):

Blueprint Genetics
Classification: Uncertain significance. Last evaluated: 2023-08-01. Review status: criteria provided, single submitter. Criteria: ACMG Guidelines, 2015. Collection method: clinical testing. Allele origin: germline.

Labcorp Genetics (formerly Invitae), Labcorp
Classification: Uncertain significance. Last evaluated: 2022-11-01. Review status: criteria provided, single submitter. Criteria: Invitae Variant Classification Sherloc (09022015). Collection method: clinical testing. Allele origin: germline.
Comment: In summary, the available evidence is currently insufficient to determine the role of this variant in disease. Therefore, it has been classified as a Variant of Uncertain Significance. Algorithms developed to predict the effect of missense changes on protein structure and function are either unavailable or do not agree on the potential impact of this missense change (SIFT: "Deleterious"; PolyPhen-2: "Benign"; Align-GVGD: "Class C0"). ClinVar contains an entry for this variant (Variation ID: 521374). This variant has not been reported in the literature in individuals affected with FLVCR1-related conditions. This variant is not present in population databases (gnomAD no frequency). This sequence change replaces arginine, which is basic and polar, with tryptophan, which is neutral and slightly polar, at codon 3 of the FLVCR1 protein (p.Arg3Trp).

Ambry Genetics
Classification: Uncertain significance for Inborn genetic diseases. Last evaluated: 2016-10-27. Review status: criteria provided, single submitter. Criteria: Ambry exome assertion method (8-5-2015). Collection method: clinical testing. Allele origin: germline. Affected: yes. Observed: 1 variant allele.